The following is an entry in ClinVar:

ClinVar aggregate classification (germline): Uncertain significance (1 of 4 stars; one submission).

Submission:

Ambry Genetics
Classification: Uncertain significance. Last evaluated: 2026-03-23. Review status: criteria provided, single submitter. Criteria: Ambry Variant Classification Scheme 2023. Collection method: clinical testing. Allele origin: germline.
Comment: The p.T569P variant (also known as c.1705A>C), located in coding exon 1 of the MLH3 gene, results from an A to C substitution at nucleotide position 1705. The threonine at codon 569 is replaced by proline, an amino acid with highly similar properties. This amino acid position is conserved. In addition, this alteration is predicted to be tolerated by in silico analysis. Based on the available evidence, the clinical significance of this variant remains unclear.

NM_001040108.2(MLH3):c.1705A>C (p.Thr569Pro)

Gene: MLH3 (mutL homolog 3; minus strand). Cytogenetic location: 14q24.3.
Variant type: single nucleotide variant.
Coding change: c.1705A>C on transcript NM_001040108.2 (MANE Select); coding-DNA position 1705, A replaced by C.
Protein change: p.Thr569Pro; replaces threonine 569 with proline.
Molecular consequence: missense variant.
Genome position (GRCh38, 1-based): chr14:75,047,951, T>G on the plus strand (A>C on the coding strand, the complement: MLH3 is on the minus strand). VCF-style: chr14-75047951-T-G. GRCh37 (hg19) VCF-style: chr14-75514654-T-G.
Other names: c.1705A>C, p.Thr569Pro (NM_014381.3); short protein forms T569P.
Identifiers: ClinVar variation 4860167 (VCV004860167.1).